The following is an entry in ClinVar:

NM_000091.5(COL4A3):c.3722G>A (p.Arg1241His)

Genes: MFF-DT (MFF divergent transcript; minus strand), COL4A3 (collagen type IV alpha 3 chain; plus strand). Cytogenetic location: 2q36.3.
Variant type: single nucleotide variant.
Coding change: c.3722G>A on transcript NM_000091.5 (MANE Select); coding-DNA position 3722, G replaced by A.
Protein change: p.Arg1241His; replaces arginine 1241 with histidine.
Molecular consequence: missense variant.
Genome position (GRCh38, 1-based): chr2:227,297,830, G>A. VCF-style: chr2-227297830-G-A. GRCh37 (hg19) VCF-style: chr2-228162546-G-A.
Other names: short protein forms R1241H.
Identifiers: ClinVar variation 2391099 (VCV002391099.5), dbSNP rs201841428, ClinGen allele CA2147333.

ClinVar aggregate classification (germline): Conflicting classifications of pathogenicity. Review status: criteria provided, conflicting classifications (1 of 4 stars). 3 submissions from 3 submitters: Uncertain significance (2); Likely benign (1). Last evaluated 2024-10-09.

Conditions:
Autosomal dominant Alport syndrome (ATS3A). Also called: ALPORT SYNDROME 3A, AUTOSOMAL DOMINANT; Alport syndrome dominant type; Renal failure and sensorineural hearing loss. Identifiers: Orphanet 63, Orphanet 88918, MedGen C5882663, MONDO:0007086, OMIM 104200.
Hematuria, benign familial, 2 (BFH2). Identifiers: MedGen C5830421, MONDO:0958186, OMIM 620320.
Alport syndrome 3b, autosomal recessive. Identifiers: MedGen C5882699, MONDO:0957811, OMIM 620536.
Inborn genetic diseases. Identifiers: MedGen C0950123, MeSH D030342.

Allele frequency attached by ClinVar (database versions not stated): gnomAD 0.00003; TOPMed 0.00005; ExAC 0.00008; ESP Exome Variant Server 0.00008; 1000 Genomes Project 0.00040; 1000 Genomes Project 30x 0.00047.
gnomAD v4.1: 135 of 1,563,892 alleles (0.0086%); highest among the groups gnomAD compares: Non-Finnish European, 0.011%; no homozygotes.

Submissions (3):

Labcorp Genetics (formerly Invitae), Labcorp
Classification: Uncertain significance. Last evaluated: 2024-10-09. Review status: criteria provided, single submitter. Criteria: Invitae Variant Classification Sherloc (09022015). Collection method: clinical testing. Allele origin: germline.
Comment: This sequence change replaces arginine, which is basic and polar, with histidine, which is basic and polar, at codon 1241 of the COL4A3 protein (p.Arg1241His). The frequency data for this variant in the population databases is considered unreliable, as metrics indicate poor data quality at this position in the gnomAD database. This variant has not been reported in the literature in individuals affected with COL4A3-related conditions. ClinVar contains an entry for this variant (Variation ID: 2391099). Invitae Evidence Modeling of protein sequence and biophysical properties (such as structural, functional, and spatial information, amino acid conservation, physicochemical variation, residue mobility, and thermodynamic stability) indicates that this missense variant is not expected to disrupt COL4A3 protein function with a negative predictive value of 95%. In summary, the available evidence is currently insufficient to determine the role of this variant in disease. Therefore, it has been classified as a Variant of Uncertain Significance.

Fulgent Genetics
Classification: Uncertain significance for Autosomal dominant Alport syndrome; Hematuria, benign familial, 2; Alport syndrome 3b, autosomal recessive. Last evaluated: 2024-06-11. Review status: criteria provided, single submitter. Criteria: ACMG Guidelines, 2015. Collection method: clinical testing. Allele origin: germline.

Ambry Genetics
Classification: Likely benign for Inborn genetic diseases. Last evaluated: 2022-02-17. Review status: criteria provided, single submitter. Criteria: Ambry Variant Classification Scheme 2023. Collection method: clinical testing. Allele origin: germline.